The following is an entry in ClinVar:

ClinVar aggregate classification (germline): Likely benign. Review status: criteria provided, multiple submitters, no conflicts (2 of 4 stars). 3 submissions from 3 submitters: Likely benign (3). Last evaluated 2024-08-28.

Conditions:
Immunodeficiency, common variable, 2 (CVID2). Also called: ANTIBODY DEFICIENCY DUE TO TACI DEFECT; HYPOGAMMAGLOBULINEMIA DUE TO TACI DEFICIENCY. Identifiers: Orphanet 1572, MedGen C3150354, MONDO:0009413, OMIM 240500.

Allele frequency attached by ClinVar (database versions not stated): TOPMed below 0.00001; ExAC 0.00001; gnomAD 0.00001; gnomAD exomes 0.00001.
gnomAD v4.1: 50 of 1,611,336 alleles (0.0031%); highest among the groups gnomAD compares: Middle Eastern, 0.018%; no homozygotes.

Submissions (3):

Labcorp Genetics (formerly Invitae), Labcorp
Classification: Likely benign for Immunodeficiency, common variable, 2. Last evaluated: 2024-08-28. Review status: criteria provided, single submitter. Criteria: Invitae Variant Classification Sherloc (09022015). Collection method: clinical testing. Allele origin: germline.

CeGaT Center for Human Genetics Tuebingen
Classification: Likely benign. Last evaluated: 2023-06-01. Review status: criteria provided, single submitter. Criteria: CeGaT Center For Human Genetics Tuebingen Variant Classification Criteria Version 2. Collection method: clinical testing. Allele origin: germline. Affected: yes. Observed: 1 variant allele.
Comment: TNFRSF13B: BP4, BP7

Blueprint Genetics
Classification: Likely benign. Last evaluated: 2021-03-16. Review status: criteria provided, single submitter. Criteria: ACMG Guidelines, 2015. Collection method: clinical testing. Allele origin: germline.

NM_012452.3(TNFRSF13B):c.639G>A (p.Ala213=)

Gene: TNFRSF13B (TNF receptor superfamily member 13B; minus strand). Cytogenetic location: 17p11.2.
Variant type: single nucleotide variant.
Coding change: c.639G>A on transcript NM_012452.3 (MANE Select); coding-DNA position 639, G replaced by A.
Protein change: p.Ala213=; no amino-acid change (alanine 213 retained).
Molecular consequence: synonymous variant.
Genome position (GRCh38, 1-based): chr17:16,939,790, C>T on the plus strand (G>A on the coding strand, the complement: TNFRSF13B is on the minus strand). VCF-style: chr17-16939790-C-T. GRCh37 (hg19) VCF-style: chr17-16843104-C-T.
Identifiers: ClinVar variation 733187 (VCV000733187.32), dbSNP rs750598581, ClinGen allele CA8413895.
Genomic context (GRCh38, chr17:16,939,790, plus strand): 5'-GCAGAAGCTGCAGGTCTCCACTGGCTCGGGGGATGTGCTCACAGGGCTGCCGGCTTCCAT[C>T]GCGTGATCTGCAGAGGCGAGAGTGGAGGGCGTGGGCCAGGCCTGGCCCTGCACTAGGGTA-3'
Protein context (NP_036584.1, residues 203-223): QSPAKSSQDH[Ala213=]MEAGSPVSTS